The following is an entry in ClinVar:

ClinVar aggregate classification (germline): Likely pathogenic. Review status: criteria provided, single submitter (1 of 4 stars). 2 submissions from 2 submitters: Likely pathogenic (1). 1 of the submissions does not count toward it.

Conditions:
Hereditary spastic paraplegia 17. Also called: Spastic Paraplegia 17; Autosomal dominant spastic paraplegia type 17; Silver Syndrome; Silver spastic paraplegia syndrome; SPASTIC PARAPLEGIA WITH AMYOTROPHY OF HANDS AND FEET. Identifiers: Orphanet 100998, MedGen C2931276, MONDO:0010043, OMIM 270685.
Congenital generalized lipodystrophy type 2 (CGL2). Also called: SEIP SYNDROME; Berardinelli-Seip Congenital Lipodystrophy Type 2; BERARDINELLI SYNDROME; BRUNZELL SYNDROME, BSCL2-RELATED. Identifiers: Orphanet 528, Orphanet 696289, MedGen C1720863, MONDO:0010020, OMIM 269700.
Neuronopathy, distal hereditary motor, type 5C. Also called: DHMN VC; NEURONOPATHY, DISTAL HEREDITARY MOTOR, HARDING TYPE VC; NEUROPATHY, DISTAL HEREDITARY MOTOR, HARDING TYPE VC; SPINAL MUSCULAR ATROPHY, DISTAL, HARDING TYPE VC; NEURONOPATHY, DISTAL HEREDITARY MOTOR, AUTOSOMAL DOMINANT 13. Identifiers: MedGen C5436838, MONDO:0030860, OMIM 619112.
Severe neurodegenerative syndrome with lipodystrophy. Also called: Encephalopathy, progressive, with or without lipodystrophy; ENCEPHALOPATHY, PROGRESSIVE, WITH LIPODYSTROPHY. Identifiers: Orphanet 363400, MedGen C4014700, MONDO:0014402, OMIM 615924.

Allele frequency attached by ClinVar (database versions not stated): TOPMed below 0.00001; ExAC 0.00001; gnomAD exomes 0.00001.

Submissions (2):

Juno Genomics, Hangzhou Juno Genomics, Inc
Classification: Likely pathogenic for Neuronopathy, distal hereditary motor, type 5C; Severe neurodegenerative syndrome with lipodystrophy; Congenital generalized lipodystrophy type 2; Hereditary spastic paraplegia 17. Review status: criteria provided, single submitter. Criteria: ACMG Guidelines, 2015. Collection method: clinical testing. Allele origin: germline.
Comment: Absent from controls (or at extremely low frequency if recessive) in Genome Aggregation Database.;Protein length changes due to in-frame deletions/insertions in a non-repeat region or stop-loss variants.;For recessive disorders, detected in trans with a pathogenic variant.;Co-segregation with disease in multiple affected family members.

Laboratory of Metabolic Disorders, Peking University First Hospital
Classification: Likely pathogenic for Congenital generalized lipodystrophy type 2. Last evaluated: 2018-05-11. Review status: no assertion criteria provided. Collection method: research. Allele origin: inherited. Affected: yes. Not counted in ClinVar's aggregate classification.

NM_001122955.4(BSCL2):c.737_738insCCG (p.Glu246delinsAspArg)

Genes: HNRNPUL2-BSCL2 (HNRNPUL2-BSCL2 readthrough (NMD candidate); minus strand), BSCL2 (BSCL2 lipid droplet biogenesis associated, seipin; minus strand). Cytogenetic location: 11q12.3.
Variant type: Insertion.
Coding change: c.737_738insCCG on transcript NM_001122955.4 (MANE Select); coding-DNA positions 737 to 738, CCG inserted.
Protein change: p.Glu246delinsAspArg.
Molecular consequence: inframe indel. On other transcripts: non-coding transcript variant (1).
Genome position: GRCh38 VCF-style: chr11-62692690-T-TCGG. GRCh37 (hg19) VCF-style: chr11-62460162-T-TCGG.
Other names: c.545_546insCCG, p.Glu182delinsAspArg (NM_001130702.2, NM_032667.6); c.737_738insCCG, p.Glu246delinsAspArg (NM_001386027.1, NM_001386028.1).
Identifiers: ClinVar variation 549715 (VCV000549715.5), dbSNP rs747297291, ClinGen allele CA6053488.